The following is an entry in ClinVar:

NM_001114753.3(ENG):c.1858C>A (p.Pro620Thr)

Gene: ENG (endoglin; minus strand). Cytogenetic location: 9q34.11.
Variant type: single nucleotide variant.
Coding change: c.1858C>A on transcript NM_001114753.3 (MANE Select); coding-DNA position 1858, C replaced by A.
Protein change: p.Pro620Thr; replaces proline 620 with threonine.
Molecular consequence: missense variant. On other transcripts: 3 prime UTR variant (1).
Genome position (GRCh38, 1-based): chr9:127,815,801, G>T on the plus strand (C>A on the coding strand, the complement: ENG is on the minus strand). VCF-style: chr9-127815801-G-T. GRCh37 (hg19) VCF-style: chr9-130578080-G-T.
Other names: c.*116C>A (NM_000118.4); c.1312C>A, p.Pro438Thr (NM_001278138.2); short protein forms P438T, P620T.
Identifiers: ClinVar variation 5035997 (VCV005035997.1).
Genomic context (GRCh38, chr9:127,815,801, plus strand): 5'-TGCTGCTGCTCTCCGAGGAGGCCGGGGCAGCCACCGCCACCACGGGCTCCCGCTTGCTGG[G>T]GGAACCTGGGAGCGGGAGCGGGGGCAGGGGCGGAGGTCAGGGTCCTGGCCAGGGCCCCTC-3'
Protein context (NP_001108225.1, residues 610-630): LWYIYSHTRS[Pro620Thr]SKREPVVAVA

ClinVar aggregate classification (germline): Uncertain significance (1 of 4 stars; one submission).

Conditions:
Cardiovascular phenotype. Identifiers: MedGen CN230736.

Submission:

Ambry Genetics
Classification: Uncertain significance for Cardiovascular phenotype. Last evaluated: 2026-09-04. Review status: criteria provided, single submitter. Criteria: Ambry Variant Classification Scheme 2023. Collection method: clinical testing. Allele origin: germline.
Comment: The p.P620T variant (also known as c.1858C>A), located in coding exon 15 of the ENG gene, results from a C to A substitution at nucleotide position 1858. The proline at codon 620 is replaced by threonine, an amino acid with highly similar properties. This amino acid position is conserved. In addition, this alteration is predicted to be tolerated by in silico analysis. Based on the available evidence, the clinical significance of this variant remains unclear.